The following is an entry in ClinVar:

NM_014712.3(SETD1A):c.3694C>T (p.Arg1232Trp)

Gene: SETD1A (SET domain containing 1A, histone lysine methyltransferase; plus strand). Cytogenetic location: 16p11.2.
Variant type: single nucleotide variant.
Coding change: c.3694C>T on transcript NM_014712.3 (MANE Select); coding-DNA position 3694, C replaced by T.
Protein change: p.Arg1232Trp; replaces arginine 1232 with tryptophan.
Molecular consequence: missense variant.
Genome position (GRCh38, 1-based): chr16:30,979,480, C>T. VCF-style: chr16-30979480-C-T. GRCh37 (hg19) VCF-style: chr16-30990801-C-T.
Other names: short protein forms R1232W.
Identifiers: ClinVar variation 3897995 (VCV003897995.1).

ClinVar aggregate classification (germline): Uncertain significance (1 of 4 stars; one submission).

Conditions:
Neurodevelopmental disorder with speech impairment and dysmorphic facies. Identifiers: MedGen C5436699, MONDO:0033630, OMIM 619056.

gnomAD v4.1: 127 of 1,600,024 alleles (0.0079%); highest among the groups gnomAD compares: South Asian, 0.027%; 2 homozygotes.

Submission:

Neuberg Centre For Genomic Medicine, NCGM
Classification: Uncertain significance for Neurodevelopmental disorder with speech impairment and dysmorphic facies. Last evaluated: 2024-02-01. Review status: criteria provided, single submitter. Criteria: ACMG Guidelines, 2015. Collection method: clinical testing. Allele origin: germline. Inheritance: Autosomal dominant inheritance.
Comment: Missense 0.008% Polyphen: Probably damaging SIFT: Damaging MutationTaster: Disease causing CADD Phred: 25.80 GERP++ PhyloP NA No NA The above variant has not been reported previously as a pathogenic variant nor as a benign variant, to our knowledge. For these reasons, this variant has been classified as a Variant of Uncertain Significance (VUS).